The following is an entry in ClinVar:

ClinVar aggregate classification (germline): Likely benign (0 of 4 stars; one submission).

Conditions:
KEL-related disorder. Also called: KEL-related condition.

Allele frequency attached by ClinVar (database versions not stated): 1000 Genomes Project 0.00040; 1000 Genomes Project 30x 0.00047; ESP Exome Variant Server 0.00054.
gnomAD v4.1: 139 of 1,614,140 alleles (0.0086%); highest among the groups gnomAD compares: African/African-American, 0.12%; no homozygotes.

Submission:

PreventionGenetics, part of Exact Sciences
Classification: Likely benign for KEL-related condition. Last evaluated: 2019-03-12. Review status: no assertion criteria provided. Collection method: clinical testing. Allele origin: germline.
Comment: This variant is classified as likely benign based on ACMG/AMP sequence variant interpretation guidelines (Richards et al. 2015 PMID: 25741868, with internal and published modifications).

NM_000420.3(KEL):c.1263G>A (p.Thr421=)

Gene: KEL (Kell metallo-endopeptidase (Kell blood group); minus strand). Cytogenetic location: 7q34.
Variant type: single nucleotide variant.
Coding change: c.1263G>A on transcript NM_000420.3 (MANE Select); coding-DNA position 1263, G replaced by A.
Protein change: p.Thr421=; no amino-acid change (threonine 421 retained).
Molecular consequence: synonymous variant.
Genome position (GRCh38, 1-based): chr7:142,946,258, C>T on the plus strand (G>A on the coding strand, the complement: KEL is on the minus strand). VCF-style: chr7-142946258-C-T. GRCh37 (hg19) VCF-style: chr7-142643345-C-T.
Identifiers: ClinVar variation 3058178 (VCV003058178.2), dbSNP rs140212054, ClinGen allele CA4534314.